The following is an entry in ClinVar:

ClinVar aggregate classification (germline): Uncertain significance (1 of 4 stars; one submission).

Submission:

GeneDx
Classification: Uncertain significance. Last evaluated: 2024-05-06. Review status: criteria provided, single submitter. Criteria: GeneDx Variant Classification Process June 2021. Collection method: clinical testing. Allele origin: germline. Affected: yes.
Comment: Not observed at significant frequency in large population cohorts (gnomAD); In silico analysis indicates that this missense variant does not alter protein structure/function; Has not been previously published as pathogenic or benign to our knowledge

NM_003128.3(SPTBN1):c.6335A>C (p.Glu2112Ala)

Gene: SPTBN1 (spectrin beta, non-erythrocytic 1; plus strand). Cytogenetic location: 2p16.2.
Variant type: single nucleotide variant.
Coding change: c.6335A>C on transcript NM_003128.3 (MANE Select); coding-DNA position 6335, A replaced by C.
Protein change: p.Glu2112Ala; replaces glutamic acid 2112 with alanine.
Molecular consequence: missense variant.
Genome position (GRCh38, 1-based): chr2:54,659,245, A>C. VCF-style: chr2-54659245-A-C. GRCh37 (hg19) VCF-style: chr2-54886382-A-C.
Other names: c.6296A>C, p.Glu2099Ala (NM_178313.3); short protein forms E2099A, E2112A.
Identifiers: ClinVar variation 3375821 (VCV003375821.1).